The following is an entry in ClinVar:

ClinVar aggregate classification (germline): Uncertain significance (1 of 4 stars; one submission).

Conditions:
Arrhythmogenic cardiomyopathy with wooly hair and keratoderma. Also called: Arrhythmogenic cardiomyopathy with woolly hair and keratoderma; PALMOPLANTAR KERATODERMA WITH LEFT VENTRICULAR CARDIOMYOPATHY AND WOOLLY HAIR; Carvajal syndrome; Dilated cardiomyopathy with woolly hair and keratoderma. Identifiers: Orphanet 65282, MedGen C1854063, MONDO:0011581, OMIM 605676.
Arrhythmogenic right ventricular dysplasia 8 (ARVD8). Also called: Arrhythmogenic Right Ventricular Dysplasia/Cardiomyopathy 8; ARRHYTHMOGENIC RIGHT VENTRICULAR DYSPLASIA, FAMILIAL, 8; ARRHYTHMOGENIC RIGHT VENTRICULAR CARDIOMYOPATHY 8. Identifiers: MedGen C1843896, MONDO:0011831, OMIM 607450.

Submission:

Labcorp Genetics (formerly Invitae), Labcorp
Classification: Uncertain significance for Arrhythmogenic cardiomyopathy with wooly hair and keratoderma; Arrhythmogenic right ventricular dysplasia 8. Last evaluated: 2025-08-01. Review status: criteria provided, single submitter. Criteria: Invitae Variant Classification Sherloc (09022015). Collection method: clinical testing. Allele origin: germline.
Comment: This sequence change replaces serine, which is neutral and polar, with asparagine, which is neutral and polar, at codon 165 of the DSP protein (p.Ser165Asn). This variant is not present in population databases (gnomAD no frequency). This variant has not been reported in the literature in individuals affected with DSP-related conditions. ClinVar contains an entry for this variant (Variation ID: 2936087). An algorithm developed to predict the effect of missense changes on protein structure and function (PolyPhen-2) suggests that this variant is likely to be disruptive. In summary, the available evidence is currently insufficient to determine the role of this variant in disease. Therefore, it has been classified as a Variant of Uncertain Significance.

NM_004415.4(DSP):c.494G>A (p.Ser165Asn)

Gene: DSP (desmoplakin; plus strand). Cytogenetic location: 6p24.3.
Variant type: single nucleotide variant.
Coding change: c.494G>A on transcript NM_004415.4 (MANE Select); coding-DNA position 494, G replaced by A.
Protein change: p.Ser165Asn; replaces serine 165 with asparagine.
Molecular consequence: missense variant.
Genome position (GRCh38, 1-based): chr6:7,559,297, G>A. VCF-style: chr6-7559297-G-A. GRCh37 (hg19) VCF-style: chr6-7559530-G-A.
Other names: c.494G>A, p.Ser165Asn (NM_001008844.3, NM_001319034.2, NM_001406591.1); short protein forms S165N.
Identifiers: ClinVar variation 2936087 (VCV002936087.3), dbSNP rs2113659759, ClinGen allele CA362672375.